The following is an entry in ClinVar:

NM_003118.4(SPARC):c.633C>T (p.His211=)

Gene: SPARC (secreted protein acidic and cysteine rich; minus strand). Cytogenetic location: 5q33.1.
Variant type: single nucleotide variant.
Coding change: c.633C>T on transcript NM_003118.4 (MANE Select); coding-DNA position 633, C replaced by T.
Protein change: p.His211=; no amino-acid change (histidine 211 retained).
Molecular consequence: synonymous variant.
Genome position (GRCh38, 1-based): chr5:151,666,462, G>A on the plus strand (C>T on the coding strand, the complement: SPARC is on the minus strand). VCF-style: chr5-151666462-G-A. GRCh37 (hg19) VCF-style: chr5-151046023-G-A.
Other names: c.630C>T, p.His210= (NM_001309443.2); c.633C>T, p.His211= (NM_001309444.2).
Identifiers: ClinVar variation 733646 (VCV000733646.12), dbSNP rs149306790, ClinGen allele CA3522627.

ClinVar aggregate classification (germline): Benign. Review status: criteria provided, single submitter (1 of 4 stars). 2 submissions from 2 submitters: Benign (1). 1 of the submissions does not count toward it. Last evaluated 2025-12-22.

Conditions:
SPARC-related disorder. Also called: SPARC-related condition.

Allele frequency attached by ClinVar (database versions not stated): gnomAD 0.00017 and 0.00009; 1000 Genomes Project 0.00020; TOPMed 0.00023; 1000 Genomes Project 30x 0.00016.
gnomAD v4.1: 335 of 1,614,148 alleles (0.021%); highest among the groups gnomAD compares: East Asian, 0.72%; 3 homozygotes.

Submissions (2):

Labcorp Genetics (formerly Invitae), Labcorp
Classification: Benign. Last evaluated: 2025-12-22. Review status: criteria provided, single submitter. Criteria: Invitae Variant Classification Sherloc (09022015). Collection method: clinical testing. Allele origin: germline.

PreventionGenetics, part of Exact Sciences
Classification: Likely benign for SPARC-related condition. Last evaluated: 2020-02-19. Review status: no assertion criteria provided. Collection method: clinical testing. Allele origin: germline. Not counted in ClinVar's aggregate classification.
Comment: This variant is classified as likely benign based on ACMG/AMP sequence variant interpretation guidelines (Richards et al. 2015 PMID: 25741868, with internal and published modifications).